The following is an entry in ClinVar:

NM_002294.3(LAMP2):c.805A>G (p.Thr269Ala)

Gene: LAMP2 (lysosome associated membrane protein 2; minus strand). Cytogenetic location: Xq24.
Variant type: single nucleotide variant.
Coding change: c.805A>G on transcript NM_002294.3 (MANE Select); coding-DNA position 805, A replaced by G.
Protein change: p.Thr269Ala; replaces threonine 269 with alanine.
Molecular consequence: missense variant.
Genome position (GRCh38, 1-based): chrX:120,446,364, T>C on the plus strand (A>G on the coding strand, the complement: LAMP2 is on the minus strand). VCF-style: chrX-120446364-T-C. GRCh37 (hg19) VCF-style: chrX-119580219-T-C.
Other names: c.805A>G, p.Thr269Ala (NM_001122606.1, NM_013995.2); short protein forms T269A.
Identifiers: ClinVar variation 429272 (VCV000429272.5), dbSNP rs1131691290, ClinGen allele CA414400890.

ClinVar aggregate classification (germline): Uncertain significance. Review status: criteria provided, multiple submitters, no conflicts (2 of 4 stars). 2 submissions from 2 submitters: Uncertain significance (2). Last evaluated 2023-11-29.

Conditions:
Danon disease. Also called: ANTOPOL DISEASE; Glycogen Storage Disease Type IIb; PSEUDOGLYCOGENOSIS II; GSD IIb; LYSOSOMAL GLYCOGEN STORAGE DISEASE WITHOUT ACID MALTASE DEFICIENCY. Identifiers: Orphanet 34587, MedGen C0878677, MONDO:0010281, OMIM 300257.

Allele frequency attached by ClinVar (database versions not stated): gnomAD exomes below 0.00001 and 0.00002; gnomAD 0.00001.
gnomAD v4.1: 5 of 1,200,335 alleles (0.00042%); highest among the groups gnomAD compares: Admixed American, 0.0066%; no homozygotes.

Submissions (2):

Labcorp Genetics (formerly Invitae), Labcorp
Classification: Uncertain significance for Danon disease. Last evaluated: 2023-11-29. Review status: criteria provided, single submitter. Criteria: Invitae Variant Classification Sherloc (09022015). Collection method: clinical testing. Allele origin: germline.
Comment: This sequence change replaces threonine, which is neutral and polar, with alanine, which is neutral and non-polar, at codon 269 of the LAMP2 protein (p.Thr269Ala). This variant is present in population databases (no rsID available, gnomAD 0.01%), including at least one homozygous and/or hemizygous individual. This variant has not been reported in the literature in individuals affected with LAMP2-related conditions. ClinVar contains an entry for this variant (Variation ID: 429272). Advanced modeling of protein sequence and biophysical properties (such as structural, functional, and spatial information, amino acid conservation, physicochemical variation, residue mobility, and thermodynamic stability) has been performed at Invitae for this missense variant, however the output from this modeling did not meet the statistical confidence thresholds required to predict the impact of this variant on LAMP2 protein function. In summary, the available evidence is currently insufficient to determine the role of this variant in disease. Therefore, it has been classified as a Variant of Uncertain Significance.

GeneDx
Classification: Uncertain significance. Last evaluated: 2017-05-04. Review status: criteria provided, single submitter. Criteria: GeneDx Variant Classification (06012015). Collection method: clinical testing. Allele origin: germline. Affected: yes.
Comment: The T269A variant of uncertain significance in the LAMP2 gene has not been published as pathogenic or been reported as benign to our knowledge. This variant is not observed in large population cohorts (Lek et al., 2016; 1000 Genomes Consortium et al., 2015; Exome Variant Server). The T269A variant is a non-conservative amino acid substitution, which is likely to impact secondary protein structure as these residues differ in polarity, charge, size and/or other properties. This substitution occurs at a position where only amino acids with similar properties to threonine are tolerated across species. However, in silico analysis is inconsistent in its predictions as to whether or not the variant is damaging to the protein structure/function.